The following is an entry in ClinVar:

NM_001556.3(IKBKB):c.1916A>G (p.Asp639Gly)

Gene: IKBKB (inhibitor of nuclear factor kappa B kinase subunit beta; plus strand). Cytogenetic location: 8p11.21.
Variant type: single nucleotide variant.
Coding change: c.1916A>G on transcript NM_001556.3 (MANE Select); coding-DNA position 1916, A replaced by G.
Protein change: p.Asp639Gly; replaces aspartic acid 639 with glycine.
Molecular consequence: missense variant. On other transcripts: non-coding transcript variant (3).
Genome position (GRCh38, 1-based): chr8:42,322,424, A>G. VCF-style: chr8-42322424-A-G. GRCh37 (hg19) VCF-style: chr8-42179942-A-G.
Other names: c.1724A>G, p.Asp575Gly (NM_001190720.3); c.1739A>G, p.Asp580Gly (NM_001242778.2); short protein forms D580G, D639G, D575G.
Identifiers: ClinVar variation 1933361 (VCV001933361.5), dbSNP rs2487740353, ClinGen allele CA371093218.
Genomic context (GRCh38, chr8:42,322,424, plus strand): 5'-AGCAGAAGGCGCTGGAACTGTTGCCCAAGGTGGAAGAGGTGGTGAGCTTAATGAATGAGG[A>G]TGAGAAGACTGTTGTCCGGCTGCAGGAGAAGCGGCAGAAGGAGCTCTGGAATCTCCTGAA-3'
Protein context (NP_001547.1, residues 629-649): VEEVVSLMNE[Asp639Gly]EKTVVRLQEK

ClinVar aggregate classification (germline): Uncertain significance (1 of 4 stars; one submission).

Conditions:
Severe combined immunodeficiency due to IKK2 deficiency. Also called: Immunodeficiency 15; IMMUNODEFICIENCY 15B. Identifiers: Orphanet 397787, MedGen C4747743, MONDO:0014267, OMIM 615592.

Submission:

Labcorp Genetics (formerly Invitae), Labcorp
Classification: Uncertain significance for Severe combined immunodeficiency due to IKK2 deficiency. Last evaluated: 2022-07-05. Review status: criteria provided, single submitter. Criteria: Invitae Variant Classification Sherloc (09022015). Collection method: clinical testing. Allele origin: germline.
Comment: In summary, the available evidence is currently insufficient to determine the role of this variant in disease. Therefore, it has been classified as a Variant of Uncertain Significance. Algorithms developed to predict the effect of sequence changes on RNA splicing suggest that this variant may create or strengthen a splice site. Advanced modeling of protein sequence and biophysical properties (such as structural, functional, and spatial information, amino acid conservation, physicochemical variation, residue mobility, and thermodynamic stability) performed at Invitae indicates that this missense variant is not expected to disrupt IKBKB protein function. This variant has not been reported in the literature in individuals affected with IKBKB-related conditions. This variant is not present in population databases (gnomAD no frequency). This sequence change replaces aspartic acid, which is acidic and polar, with glycine, which is neutral and non-polar, at codon 639 of the IKBKB protein (p.Asp639Gly).